The following is an entry in ClinVar:

NM_033305.3(VPS13A):c.1683A>G (p.Ala561=)

Gene: VPS13A (vacuolar protein sorting 13 homolog A; plus strand). Cytogenetic location: 9q21.2.
Variant type: single nucleotide variant.
Coding change: c.1683A>G on transcript NM_033305.3 (MANE Select); coding-DNA position 1683, A replaced by G.
Protein change: p.Ala561=; no amino-acid change (alanine 561 retained).
Molecular consequence: synonymous variant.
Genome position (GRCh38, 1-based): chr9:77,238,089, A>G. VCF-style: chr9-77238089-A-G. GRCh37 (hg19) VCF-style: chr9-79853005-A-G.
Other names: c.1683A>G, p.Ala561= (NM_001018037.2, NM_001018038.3, NM_015186.4).
Identifiers: ClinVar variation 1152378 (VCV001152378.32), dbSNP rs777028557, ClinGen allele CA5091760.

ClinVar aggregate classification (germline): Likely benign. Review status: criteria provided, multiple submitters, no conflicts (2 of 4 stars). 2 submissions from 2 submitters: Likely benign (2). Last evaluated 2024-03-14.

Allele frequency attached by ClinVar (database versions not stated): gnomAD exomes below 0.00001 and 0.00001; ExAC 0.00001; gnomAD 0.00001; TOPMed 0.00001.
gnomAD v4.1: 6 of 1,613,514 alleles (0.00037%); highest among the groups gnomAD compares: Admixed American, 0.0017%; no homozygotes.

Submissions (2):

Labcorp Genetics (formerly Invitae), Labcorp
Classification: Likely benign. Last evaluated: 2024-03-14. Review status: criteria provided, single submitter. Criteria: Invitae Variant Classification Sherloc (09022015). Collection method: clinical testing. Allele origin: germline.

CeGaT Center for Human Genetics Tuebingen
Classification: Likely benign. Last evaluated: 2023-08-01. Review status: criteria provided, single submitter. Criteria: CeGaT Center For Human Genetics Tuebingen Variant Classification Criteria Version 2. Collection method: clinical testing. Allele origin: germline. Affected: yes. Observed: 1 variant allele.
Comment: VPS13A: BP4, BP7